The following is an entry in ClinVar:

ClinVar aggregate classification (germline): Benign/Likely benign. Review status: criteria provided, multiple submitters, no conflicts (2 of 4 stars). 16 submissions from 16 submitters: Benign (5); Likely benign (8). 3 of the submissions do not count toward it. Last evaluated 2026-09-01.

Conditions:
MBD5-related disorder. Also called: MBD5-related condition.
Inborn genetic diseases. Identifiers: MedGen C0950123, MeSH D030342.
Intellectual developmental disorder, autosomal dominant 1. Also called: MBD5 Haploinsufficiency; Intellectual disability, autosomal dominant 1. Identifiers: Orphanet 228402, MedGen C1969562, MONDO:0007974, OMIM 156200.

Allele frequency attached by ClinVar (database versions not stated): 1000 Genomes Project 30x 0.00125; ESP Exome Variant Server 0.00192; gnomAD 0.00198 and 0.00200; gnomAD exomes 0.00234 and 0.00229; 1000 Genomes Project 0.00120; TOPMed 0.00242; ExAC 0.00247.
gnomAD v4.1: 3,817 of 1,613,950 alleles (0.24%); highest among the groups gnomAD compares: Middle Eastern, 1%; 11 homozygotes.

Submissions (16):

CeGaT Center for Human Genetics Tuebingen
Classification: Likely benign. Last evaluated: 2026-09-01. Review status: criteria provided, single submitter. Criteria: CeGaT Center For Human Genetics Tuebingen Variant Classification Criteria Version 2. Collection method: clinical testing. Allele origin: germline. Affected: yes. Observed: 36 variant alleles.
Comment: MBD5: BS1

Labcorp Genetics (formerly Invitae), Labcorp
Classification: Likely benign for Intellectual developmental disorder, autosomal dominant 1. Last evaluated: 2026-02-03. Review status: criteria provided, single submitter. Criteria: Invitae Variant Classification Sherloc (09022015). Collection method: clinical testing. Allele origin: germline.

Genomic Medicine Center of Excellence, King Faisal Specialist Hospital and Research Centre
Classification: Likely benign. Last evaluated: 2025-08-18. Review status: criteria provided, single submitter. Criteria: ACMG Guidelines, 2015. Collection method: clinical testing. Allele origin: germline.

ARUP Laboratories, Molecular Genetics and Genomics, ARUP Laboratories
Classification: Likely benign for Intellectual developmental disorder, autosomal dominant 1. Last evaluated: 2025-05-16. Review status: criteria provided, single submitter. Criteria: ARUP Molecular Germline Variant Investigation Process 2024. Collection method: clinical testing. Allele origin: germline.

Blueprint Genetics
Classification: Likely benign. Last evaluated: 2024-11-25. Review status: criteria provided, single submitter. Criteria: ACMG Guidelines, 2015. Collection method: clinical testing. Allele origin: germline.

Mayo Clinic Laboratories, Mayo Clinic
Classification: Benign. Last evaluated: 2024-06-17. Review status: criteria provided, single submitter. Criteria: ACMG Guidelines, 2015. Collection method: clinical testing. Allele origin: germline. Observed: 3 variant alleles.
Comment: BS1, BS2, BP4

Fulgent Genetics
Classification: Likely benign for Intellectual developmental disorder, autosomal dominant 1. Last evaluated: 2022-03-28. Review status: criteria provided, single submitter. Criteria: ACMG Guidelines, 2015. Collection method: clinical testing. Allele origin: unknown.

Athena Diagnostics
Classification: Benign. Last evaluated: 2020-05-11. Review status: criteria provided, single submitter. Criteria: Athena Diagnostics Criteria. Collection method: clinical testing. Allele origin: unknown.

Genetic Services Laboratory, University of Chicago
Classification: Benign. Last evaluated: 2018-07-17. Review status: criteria provided, single submitter. Criteria: ACMG Guidelines, 2015. Collection method: clinical testing. Allele origin: germline. Affected: no.

Ambry Genetics
Classification: Likely benign for Inborn genetic diseases. Last evaluated: 2017-11-30. Review status: criteria provided, single submitter. Criteria: Ambry Variant Classification Scheme 2023. Collection method: clinical testing. Allele origin: germline.

Eurofins Ntd Llc (ga)
Classification: Benign. Last evaluated: 2015-08-07. Review status: criteria provided, single submitter. Criteria: EGL Classification Definitions 2015. Collection method: clinical testing. Allele origin: germline. Observed: 6 variant alleles, 6 heterozygotes.

GeneDx
Classification: Benign. Last evaluated: 2014-04-17. Review status: criteria provided, single submitter. Criteria: GeneDx Variant Classification (06012015). Collection method: clinical testing. Allele origin: germline. Affected: yes.
Comment: This variant is considered likely benign or benign based on one or more of the following criteria: it is a conservative change, it occurs at a poorly conserved position in the protein, it is predicted to be benign by multiple in silico algorithms, and/or has population frequency not consistent with disease.

Breakthrough Genomics
Classification: Likely benign. Review status: criteria provided, single submitter. Criteria: ACMG Guidelines, 2015. Collection method: not provided. Allele origin: germline. Inheritance: Autosomal dominant inheritance. Affected: yes.

PreventionGenetics, part of Exact Sciences
Classification: Benign for MBD5-related condition. Last evaluated: 2021-01-05. Review status: no assertion criteria provided. Collection method: clinical testing. Allele origin: germline. Not counted in ClinVar's aggregate classification.
Comment: This variant is classified as benign based on ACMG/AMP sequence variant interpretation guidelines (Richards et al. 2015 PMID: 25741868, with internal and published modifications).

Clinical Genetics DNA and cytogenetics Diagnostics Lab, Erasmus MC, Erasmus Medical Center
Classification: Likely benign. Review status: no assertion criteria provided. Collection method: clinical testing. Allele origin: germline. Affected: yes. Study: VKGL Data-share Consensus. Not counted in ClinVar's aggregate classification.

Genome Diagnostics Laboratory, University Medical Center Utrecht
Classification: Likely benign. Review status: no assertion criteria provided. Collection method: clinical testing. Allele origin: germline. Affected: yes. Study: VKGL Data-share Consensus. Not counted in ClinVar's aggregate classification.

Literature cited by the submitters: PubMed 17847001 (cited by Mayo Clinic Laboratories, Mayo Clinic and Athena Diagnostics).

NM_001378120.1(MBD5):c.2030G>A (p.Ser677Asn)

Gene: MBD5 (methyl-CpG binding domain protein 5; plus strand). Cytogenetic location: 2q23.1.
Variant type: single nucleotide variant.
Coding change: c.2030G>A on transcript NM_001378120.1 (MANE Select); coding-DNA position 2030, G replaced by A.
Protein change: p.Ser677Asn; replaces serine 677 with asparagine.
Molecular consequence: missense variant.
Genome position (GRCh38, 1-based): chr2:148,469,973, G>A. VCF-style: chr2-148469973-G-A. GRCh37 (hg19) VCF-style: chr2-149227542-G-A.
Other names: p.S677N:AGT>AAT; c.2030G>A, p.Ser677Asn (NM_018328.5); short protein forms S677N.
Identifiers: ClinVar variation 95899 (VCV000095899.90), dbSNP rs114314967, ClinGen allele CA223524.
Genomic context (GRCh38, chr2:148,469,973, plus strand): 5'-GGAAAAGAAAACAACCACCTACGACAGTGTTGAGTTTGCTCAGACAGTCTCAAATGGATA[G>A]TTCTGCAGTTCCTAAACCTGGACCTGACTTGCTAAGGAAGCAGGGTCAGGGTTCATTTCC-3'
Protein context (NP_001365049.1, residues 667-687): LSLLRQSQMD[Ser677Asn]SAVPKPGPDL